The following is an entry in ClinVar:

NM_014874.4(MFN2):c.292A>G (p.Lys98Glu)

Gene: MFN2 (mitofusin 2; plus strand). Cytogenetic location: 1p36.22.
Variant type: single nucleotide variant.
Coding change: c.292A>G on transcript NM_014874.4 (MANE Select); coding-DNA position 292, A replaced by G.
Protein change: p.Lys98Glu; replaces lysine 98 with glutamic acid.
Molecular consequence: missense variant.
Genome position (GRCh38, 1-based): chr1:11,992,671, A>G. VCF-style: chr1-11992671-A-G. GRCh37 (hg19) VCF-style: chr1-12052728-A-G.
Other names: c.292A>G, p.Lys98Glu (NM_001127660.2); short protein forms K98E.
Identifiers: ClinVar variation 447723 (VCV000447723.11), dbSNP rs1553141706, ClinGen allele CA338462271.
Genomic context (GRCh38, chr1:11,992,671, plus strand): 5'-GTCAAAGGTTACCTATCCAAAGTGAGAGGCATCAGTGAGGTGCTGGCTCGGAGGCACATG[A>G]AAGTGGCTTTTTTTGGCCGGTAAGTCCTTGAGGCACCCACCCTTTCTTTCTTCCTGGCTA-3'
Protein context (NP_055689.1, residues 88-108): ISEVLARRHM[Lys98Glu]VAFFGRTSNG

ClinVar aggregate classification (germline): Conflicting classifications of pathogenicity. Review status: criteria provided, conflicting classifications (1 of 4 stars). 4 submissions from 4 submitters: Likely pathogenic (1); Uncertain significance (2). 1 of the submissions does not count toward it. Last evaluated 2023-12-18.

Conditions:
Charcot-Marie-Tooth disease type 2. Also called: Charcot-Marie-Tooth type 2. Identifiers: Orphanet 64746, MedGen C0270914, MONDO:0018993.
Charcot-Marie-Tooth disease. Also called: Charcot-Marie-Tooth Neuropathy; Charcot-Marie-Tooth Hereditary Neuropathy. Identifiers: Orphanet 166, MedGen C0007959, MONDO:0015626.

Submissions (4):

Labcorp Genetics (formerly Invitae), Labcorp
Classification: Likely pathogenic for Charcot-Marie-Tooth disease type 2. Last evaluated: 2023-12-18. Review status: criteria provided, single submitter. Criteria: Invitae Variant Classification Sherloc (09022015). Collection method: clinical testing. Allele origin: germline.
Comment: This sequence change replaces lysine, which is basic and polar, with glutamic acid, which is acidic and polar, at codon 98 of the MFN2 protein (p.Lys98Glu). This variant is not present in population databases (gnomAD no frequency). This missense change has been observed in individuals with clinical features of autosomal dominant MFN2-related conditions (PMID: 18957892, 32376792; Invitae). ClinVar contains an entry for this variant (Variation ID: 447723). Advanced modeling of protein sequence and biophysical properties (such as structural, functional, and spatial information, amino acid conservation, physicochemical variation, residue mobility, and thermodynamic stability) performed at Invitae indicates that this missense variant is expected to disrupt MFN2 protein function with a positive predictive value of 95%. In summary, the currently available evidence indicates that the variant is pathogenic, but additional data are needed to prove that conclusively. Therefore, this variant has been classified as Likely Pathogenic.

Athena Diagnostics
Classification: Uncertain significance. Last evaluated: 2016-09-12. Review status: criteria provided, single submitter. Criteria: Athena Diagnostics Criteria. Collection method: clinical testing. Allele origin: germline.

Molecular Genetics Laboratory, London Health Sciences Centre
Classification: Uncertain significance for Charcot-Marie-Tooth disease. Review status: criteria provided, single submitter. Criteria: ACMG Guidelines, 2015. Collection method: clinical testing. Allele origin: germline. Affected: yes.

Inherited Neuropathy Consortium
Classification: Uncertain significance for Charcot-Marie-Tooth disease. Review status: no assertion criteria provided. Collection method: literature only. Allele origin: germline. Affected: yes. Not counted in ClinVar's aggregate classification.

Literature cited by the submitters: PubMed 18957892 (cited by 3 submitters); PubMed 32376792 (cited by Labcorp Genetics (formerly Invitae), Labcorp).